The following is an entry in ClinVar:

ClinVar aggregate classification (germline): Likely pathogenic. Review status: criteria provided, multiple submitters, no conflicts (2 of 4 stars). 2 submissions from 2 submitters: Likely pathogenic (2). Last evaluated 2023-08-02.

Conditions:
MYH3-related disorder. Also called: MYH3-Related Disorders; MYH3-related condition. Identifiers: MedGen CN239329.

Allele frequency attached by ClinVar (database versions not stated): gnomAD exomes below 0.00001; TOPMed 0.00001.
gnomAD v4.1: 3 of 1,611,590 alleles (0.00019%); highest among the groups gnomAD compares: Non-Finnish European, 0.00025%; no homozygotes.

Submissions (2):

PreventionGenetics, part of Exact Sciences
Classification: Likely pathogenic for MYH3-related condition. Last evaluated: 2023-08-02. Review status: criteria provided, single submitter. Criteria: ACMG Guidelines, 2015. Collection method: clinical testing. Allele origin: germline.
Comment: The MYH3 c.533+1G>A variant is predicted to disrupt the GT donor site and interfere with normal splicing. To our knowledge, this variant has not been reported in the literature or in a large population database, indicating this variant is rare. Truncating variants in MYH3 is expected to be pathogenic. Therefore, this variant is interpreted as likely pathogenic.

Labcorp Genetics (formerly Invitae), Labcorp
Classification: Likely pathogenic. Last evaluated: 2023-06-07. Review status: criteria provided, single submitter. Criteria: Invitae Variant Classification Sherloc (09022015). Collection method: clinical testing. Allele origin: germline.
Comment: In summary, the currently available evidence indicates that the variant is pathogenic, but additional data are needed to prove that conclusively. Therefore, this variant has been classified as Likely Pathogenic. Algorithms developed to predict the effect of sequence changes on RNA splicing suggest that this variant may disrupt the consensus splice site. This variant has not been reported in the literature in individuals affected with MYH3-related conditions. This variant is not present in population databases (gnomAD no frequency). This sequence change affects a donor splice site in intron 6 of the MYH3 gene. It is expected to disrupt RNA splicing. Variants that disrupt the donor or acceptor splice site typically lead to a loss of protein function (PMID: 16199547), and loss-of-function variants in MYH3 are known to be pathogenic (PMID: 29805041, 30008475).

Literature cited by the submitters: PubMed 16199547 (cited by Labcorp Genetics (formerly Invitae), Labcorp); PubMed 29805041 (cited by Labcorp Genetics (formerly Invitae), Labcorp); PubMed 30008475 (cited by Labcorp Genetics (formerly Invitae), Labcorp).

NM_002470.4(MYH3):c.533+1G>A

Gene: MYH3 (myosin heavy chain 3; minus strand). Cytogenetic location: 17p13.1.
Variant type: single nucleotide variant.
Coding change: c.533+1G>A on transcript NM_002470.4 (MANE Select); the canonical splice donor site of the intron after coding-DNA position 533, G replaced by A.
Molecular consequence: splice donor variant.
Genome position (GRCh38, 1-based): chr17:10,650,373, C>T on the plus strand (G>A on the coding strand, the complement: MYH3 is on the minus strand). VCF-style: chr17-10650373-C-T. GRCh37 (hg19) VCF-style: chr17-10553690-C-T.
Identifiers: ClinVar variation 2636447 (VCV002636447.4), dbSNP rs1483000577, ClinGen allele CA398113738.